The following is an entry in ClinVar:

ClinVar aggregate classification (germline): Benign/Likely benign. Review status: criteria provided, multiple submitters, no conflicts (2 of 4 stars). 2 submissions from 2 submitters: Benign (1); Likely benign (1). Last evaluated 2026-01-24.

Conditions:
Oligodontia-cancer predisposition syndrome. Also called: TOOTH AGENESIS-COLORECTAL CANCER SYNDROME. Identifiers: Orphanet 300576, MedGen C1837750, MONDO:0012075, OMIM 608615. Disease mechanism: loss of function.
Hereditary cancer-predisposing syndrome. Also called: Hereditary neoplastic syndrome; Tumor predisposition; Neoplastic Syndromes, Hereditary; Hereditary Cancer Syndrome. Identifiers: Orphanet 140162, MedGen C0027672, MeSH D009386, MONDO:0015356.

Submissions (2):

Ambry Genetics
Classification: Likely benign for Hereditary cancer-predisposing syndrome. Last evaluated: 2026-01-24. Review status: criteria provided, single submitter. Criteria: Ambry Variant Classification Scheme 2023. Collection method: clinical testing. Allele origin: germline.

Myriad Genetics, Inc.
Classification: Benign for Oligodontia-cancer predisposition syndrome. Last evaluated: 2024-07-09. Review status: criteria provided, single submitter. Criteria: Myriad Autosomal Dominant, Autosomal Recessive and X-Linked Classification Criteria (2023). Collection method: clinical testing. Allele origin: unknown.
Comment: This variant is considered benign. This variant is a silent/synonymous amino acid change and it is not expected to impact splicing.

NM_004655.4(AXIN2):c.1947C>T (p.Ala649=)

Gene: AXIN2 (axin 2; minus strand). Cytogenetic location: 17q24.1.
Variant type: single nucleotide variant.
Coding change: c.1947C>T on transcript NM_004655.4 (MANE Select); coding-DNA position 1947, C replaced by T.
Protein change: p.Ala649=; no amino-acid change (alanine 649 retained).
Molecular consequence: synonymous variant.
Genome position (GRCh38, 1-based): chr17:65,536,514, G>A on the plus strand (C>T on the coding strand, the complement: AXIN2 is on the minus strand). VCF-style: chr17-65536514-G-A. GRCh37 (hg19) VCF-style: chr17-63532632-G-A.
Other names: c.1752C>T, p.Ala584= (NM_001363813.1).
Identifiers: ClinVar variation 3378936 (VCV003378936.2).